The following is an entry in ClinVar:

ClinVar aggregate classification (germline): Uncertain significance. Review status: criteria provided, multiple submitters, no conflicts (2 of 4 stars). 2 submissions from 2 submitters: Uncertain significance (2). Last evaluated 2025-11-16.

Conditions:
Hereditary cancer-predisposing syndrome. Also called: Neoplastic Syndromes, Hereditary; Hereditary Cancer Syndrome; Hereditary neoplastic syndrome; Tumor predisposition. Identifiers: Orphanet 140162, MedGen C0027672, MeSH D009386, MONDO:0015356.
Endometrial carcinoma. Also called: Endometrial carcinoma, somatic. Identifiers: MedGen C0476089, MONDO:0002447, OMIM 608089, HP:0012114.

Submissions (2):

Ambry Genetics
Classification: Uncertain significance for Hereditary cancer-predisposing syndrome. Last evaluated: 2025-11-16. Review status: criteria provided, single submitter. Criteria: Ambry Variant Classification Scheme 2023. Collection method: clinical testing. Allele origin: germline.
Comment: The p.V878I variant (also known as c.2632G>A), located in coding exon 19 of the MSH3 gene, results from a G to A substitution at nucleotide position 2632. The valine at codon 878 is replaced by isoleucine, an amino acid with highly similar properties. This amino acid position is conserved. In addition, the in silico prediction for this alteration is inconclusive. Since supporting evidence is limited at this time, the clinical significance of this alteration remains unclear.

Baylor Genetics
Classification: Uncertain significance for Endometrial carcinoma. Last evaluated: 2023-06-29. Review status: criteria provided, single submitter. Criteria: ACMG Guidelines, 2015. Collection method: clinical testing. Allele origin: unknown.

NM_002439.5(MSH3):c.2632G>A (p.Val878Ile)

Gene: MSH3 (mutS homolog 3; plus strand). Cytogenetic location: 5q14.1.
Variant type: single nucleotide variant.
Coding change: c.2632G>A on transcript NM_002439.5 (MANE Select); coding-DNA position 2632, G replaced by A.
Protein change: p.Val878Ile; replaces valine 878 with isoleucine.
Molecular consequence: missense variant.
Genome position (GRCh38, 1-based): chr5:80,792,821, G>A. VCF-style: chr5-80792821-G-A. GRCh37 (hg19) VCF-style: chr5-80088640-G-A.
Other names: short protein forms V878I.
Identifiers: ClinVar variation 2565667 (VCV002565667.4), dbSNP rs2546786824, ClinGen allele CA360273019.